The following is an entry in ClinVar:

NM_032043.3(BRIP1):c.2232C>T (p.Asp744=)

Gene: BRIP1 (BRCA1 interacting DNA helicase 1; minus strand). Cytogenetic location: 17q23.2.
Variant type: single nucleotide variant.
Coding change: c.2232C>T on transcript NM_032043.3 (MANE Select); coding-DNA position 2232, C replaced by T.
Protein change: p.Asp744=; no amino-acid change (aspartic acid 744 retained).
Molecular consequence: synonymous variant.
Genome position (GRCh38, 1-based): chr17:61,744,457, G>A on the plus strand (C>T on the coding strand, the complement: BRIP1 is on the minus strand). VCF-style: chr17-61744457-G-A. GRCh37 (hg19) VCF-style: chr17-59821818-G-A.
Other names: p.D744D:GAC>GAT.
Identifiers: ClinVar variation 182353 (VCV000182353.35), dbSNP rs374362388, ClinGen allele CA298893.
Genomic context (GRCh38, chr17:61,744,457, plus strand): 5'-ATTTTTTCACCGACCATGAAATAATTTCCAGTTACCTTTCTCTCCTTTGTATTTGATTGC[G>A]TCATAGTACACCTGCAGTAATTCATCAAAATTTGTTTTTTCTCCTCCCTGTGGTTCTACA-3'
Protein context (NP_114432.2, residues 734-754): NFDELLQVYY[Asp744=]AIKYKGEKDG

ClinVar aggregate classification (germline): Benign/Likely benign. Review status: criteria provided, multiple submitters, no conflicts (2 of 4 stars). 17 submissions from 16 submitters: Benign (4); Likely benign (10). 3 of the submissions do not count toward it. Last evaluated 2026-01-24.

Conditions:
Familial ovarian cancer. Identifiers: MedGen C5679802, MONDO:0016248.
Breast and/or ovarian cancer. Identifiers: MedGen CN221562.
Hereditary cancer-predisposing syndrome. Also called: Tumor predisposition; Neoplastic Syndromes, Hereditary; Hereditary neoplastic syndrome; Hereditary Cancer Syndrome. Identifiers: Orphanet 140162, MedGen C0027672, MeSH D009386, MONDO:0015356.
Ovarian cancer. Also called: OVARIAN CANCER, SOMATIC. Identifiers: Orphanet 213500, MedGen C1140680, MONDO:0008170, OMIM 167000.
Fanconi anemia complementation group J. Also called: BRIP1-Related Fanconi Anemia. Identifiers: Orphanet 84, MedGen C1836860, MONDO:0012187, OMIM 609054.
Familial cancer of breast. Also called: BREAST CANCER, FAMILIAL; hereditary breast carcinoma; Hereditary breast cancer. Identifiers: Orphanet 227535, MedGen C0346153, MONDO:0016419, OMIM 114480. Disease mechanism: loss of function.

Allele frequency attached by ClinVar (database versions not stated): gnomAD exomes 0.00005 and 0.00011; gnomAD 0.00006; TOPMed 0.00006; ESP Exome Variant Server 0.00008; ExAC 0.00009.
gnomAD v4.1: 98 of 1,613,654 alleles (0.0061%); highest among the groups gnomAD compares: Middle Eastern, 0.05%; 1 homozygote.

Submissions (17):

Labcorp Genetics (formerly Invitae), Labcorp
Classification: Benign for Familial cancer of breast; Fanconi anemia complementation group J. Last evaluated: 2026-01-24. Review status: criteria provided, single submitter. Criteria: Invitae Variant Classification Sherloc (09022015). Collection method: clinical testing. Allele origin: germline.

Blueprint Genetics
Classification: Likely benign. Last evaluated: 2024-02-29. Review status: criteria provided, single submitter. Criteria: ACMG Guidelines, 2015. Collection method: clinical testing. Allele origin: germline.

Myriad Genetics, Inc.
Classification: Benign for Familial cancer of breast. Last evaluated: 2023-02-28. Review status: criteria provided, single submitter. Criteria: Myriad Autosomal Dominant, Autosomal Recessive and X-Linked Classification Criteria (2023). Collection method: clinical testing. Allele origin: unknown.
Comment: This variant is considered benign. This variant is a silent/synonymous amino acid change and it is not expected to impact splicing.

CHEO Genetics Diagnostic Laboratory, Children's Hospital of Eastern Ontario
Classification: Likely benign for Breast and/or ovarian cancer. Last evaluated: 2023-02-23. Review status: criteria provided, single submitter. Criteria: ACMG Guidelines, 2015. Collection method: clinical testing. Allele origin: germline.

Department of Pathology and Laboratory Medicine, Sinai Health System
Classification: Likely benign for familial ovarian cancer. Last evaluated: 2023-01-11. Review status: criteria provided, single submitter. Criteria: ACMG Guidelines, 2015. Collection method: clinical testing. Allele origin: germline. Affected: no.

Quest Diagnostics Nichols Institute San Juan Capistrano
Classification: Likely benign. Last evaluated: 2022-10-25. Review status: criteria provided, single submitter. Criteria: Quest Diagnostics criteria. Collection method: clinical testing. Allele origin: unknown.

Genetic Services Laboratory, University of Chicago
Classification: Likely benign. Last evaluated: 2021-02-05. Review status: criteria provided, single submitter. Criteria: ACMG Guidelines, 2015. Collection method: clinical testing. Allele origin: germline. Affected: no.

Mendelics
Classification: Likely benign for Familial cancer of breast. Last evaluated: 2019-05-28. Review status: criteria provided, single submitter. Criteria: Mendelics Assertion Criteria 2017. Collection method: clinical testing. Allele origin: unknown.

PreventionGenetics, part of Exact Sciences
Classification: Likely benign. Last evaluated: 2017-12-20. Review status: criteria provided, single submitter. Criteria: ACMG Guidelines, 2015. Collection method: clinical testing. Allele origin: germline.

Women's Health and Genetics/Laboratory Corporation of America, LabCorp
Classification: Benign. Last evaluated: 2016-12-09. Review status: criteria provided, single submitter. Criteria: LabCorp Variant Classification Summary - May 2015. Collection method: clinical testing. Allele origin: germline.
Comment: Variant summary: The c.2232C>T (p.Asp744=) in BRIP1 gene is a synonymous change that involves a non-conserved nucleotide. 5/5 programs in Alamut predict that this variant does not affect normal splicing, however no functional studies supporting this notion were published at the time of evaluation. The variant is present in the control population dataset of ExAC at frequency of 0.00009 (11/121376 chrs tested), predominantly in individuals of Latino origin (0.0004; 5/11574 chrs). The observed frequency exceeds the maximum expected allele frequency for a pathogenic variant in this gene (0.00006), suggesting that it is a benign polymorphism. The variant of interest has been cited as Benign by multiple reputable databases/clinical laboratories. Taking together, the variant was classified as Benign.

Color Diagnostics, LLC DBA Color Health
Classification: Likely benign for Hereditary cancer-predisposing syndrome. Last evaluated: 2015-07-27. Review status: criteria provided, single submitter. Criteria: ACMG Guidelines, 2015. Collection method: clinical testing. Allele origin: germline.

Ambry Genetics
Classification: Likely benign for Hereditary cancer-predisposing syndrome. Last evaluated: 2014-08-18. Review status: criteria provided, single submitter. Criteria: Ambry Variant Classification Scheme 2023. Collection method: clinical testing. Allele origin: germline.

GeneDx
Classification: Benign. Last evaluated: 2014-07-30. Review status: criteria provided, single submitter. Criteria: GeneDx Variant Classification (06012015). Collection method: clinical testing. Allele origin: germline. Affected: yes.
Comment: This variant is considered likely benign or benign based on one or more of the following criteria: it is a conservative change, it occurs at a poorly conserved position in the protein, it is predicted to be benign by multiple in silico algorithms, and/or has population frequency not consistent with disease.

Breakthrough Genomics
Classification: Likely benign. Review status: criteria provided, single submitter. Criteria: ACMG Guidelines, 2015. Collection method: not provided. Allele origin: germline. Inheritance: Autosomal dominant inheritance. Affected: yes.

Leiden Open Variation Database
Classification: Benign. Last evaluated: 2019-08-13. Review status: no assertion criteria provided. Collection method: curation. Allele origin: germline. Affected: yes. Not counted in ClinVar's aggregate classification.
Comment: Curator: Arleen D. Auerbach. Submitter to LOVD: Yukihide Momozawa.

Counsyl
Classification: Likely benign for Fanconi anemia complementation group J. Last evaluated: 2016-09-26. Review status: no assertion criteria provided. Collection method: clinical testing. Allele origin: unknown. Not counted in ClinVar's aggregate classification.

Counsyl
Classification: Likely benign for Ovarian cancer. Last evaluated: 2016-09-26. Review status: no assertion criteria provided. Collection method: clinical testing. Allele origin: unknown. Not counted in ClinVar's aggregate classification.

Literature cited by the submitters: PubMed 31214711 (cited by Quest Diagnostics Nichols Institute San Juan Capistrano and Leiden Open Variation Database).